The following is an entry in ClinVar:

ClinVar aggregate classification (germline): Pathogenic (1 of 4 stars; one submission).

Conditions:
Fanconi anemia (FA). Also called: Fanconi's anemia. Identifiers: Orphanet 84, MedGen C0015625, MeSH D005199, MONDO:0019391.

Submission:

St. Jude Molecular Pathology, St. Jude Children's Research Hospital
Classification: Pathogenic for Fanconi anemia. Last evaluated: 2021-10-28. Review status: criteria provided, single submitter. Criteria: St. Jude Assertion Criteria 2020. Collection method: clinical testing. Allele origin: germline.
Comment: The FANCA c.522+715_2852+656del variant is a gross intragenic deletion encompassing exons 6-29 of the FANCA gene. This deletion results in out-of-frame splicing of exon 5 to exon 30 with is expected to result in a disrupted protein product. A deletion comprising this region is present in gnomAD SVs v2.1 with a maximum subpopulation frequency of 0.021%. Similar deletions have been reported in individuals with Fanconi anemia (PMID: 9711872, 11344308, 12955722, 17924555, 21273304, 24584348, 24689079, 26799702, 27041517, 29098742). Loss-of-function variants in FANCA are known to be pathogenic (PMID: 19367192). In summary, this variant meets criteria to be classified as pathogenic.

NM_000135.2:c.522+715_2852+656del

Gene: FANCA (FA complementation group A; minus strand).
Variant type: Deletion.
Identifiers: ClinVar variation 1320298 (VCV001320298.3).